The following is an entry in ClinVar:

NM_001999.4(FBN2):c.3482A>G (p.Glu1161Gly)

Gene: FBN2 (fibrillin 2; minus strand). Cytogenetic location: 5q23.3.
Variant type: single nucleotide variant.
Coding change: c.3482A>G on transcript NM_001999.4 (MANE Select); coding-DNA position 3482, A replaced by G.
Protein change: p.Glu1161Gly; replaces glutamic acid 1161 with glycine.
Molecular consequence: missense variant.
Genome position (GRCh38, 1-based): chr5:128,338,113, T>C on the plus strand (A>G on the coding strand, the complement: FBN2 is on the minus strand). VCF-style: chr5-128338113-T-C. GRCh37 (hg19) VCF-style: chr5-127673805-T-C.
Other names: short protein forms E1161G.
Identifiers: ClinVar variation 2094881 (VCV002094881.4), dbSNP rs2479809749, ClinGen allele CA360759578.

ClinVar aggregate classification (germline): Likely pathogenic (1 of 4 stars; one submission).

Conditions:
Congenital contractural arachnodactyly (CCA). Also called: BEALS SYNDROME; Beals-Hecht syndrome; Arthrogryposis, distal, type 9. Identifiers: Orphanet 115, MedGen C0220668, MONDO:0007363, OMIM 121050.

Submission:

Labcorp Genetics (formerly Invitae), Labcorp
Classification: Likely pathogenic for Congenital contractural arachnodactyly. Last evaluated: 2026-01-11. Review status: criteria provided, single submitter. Criteria: Invitae Variant Classification Sherloc (09022015). Collection method: clinical testing. Allele origin: germline.
Comment: This sequence change replaces glutamic acid, which is acidic and polar, with glycine, which is neutral and non-polar, at codon 1161 of the FBN2 protein (p.Glu1161Gly). This variant is not present in population databases (gnomAD no frequency). This missense change has been observed in individual(s) with clinical features of congenital contractural arachnodactyly (internal data). It has also been observed to segregate with disease in related individuals. ClinVar contains an entry for this variant (Variation ID: 2094881). Invitae Evidence Modeling of protein sequence and biophysical properties (such as structural, functional, and spatial information, amino acid conservation, physicochemical variation, residue mobility, and thermodynamic stability) indicates that this missense variant is not expected to disrupt FBN2 protein function with a negative predictive value of 80%. This variant disrupts the p.Glu1161 amino acid residue in FBN2. Other variant(s) that disrupt this residue have been determined to be pathogenic (PMID: 19006240). This suggests that this residue is clinically significant, and that variants that disrupt this residue are likely to be disease-causing. In summary, the currently available evidence indicates that the variant is pathogenic, but additional data are needed to prove that conclusively. Therefore, this variant has been classified as Likely Pathogenic.

Literature cited by the submitters: PubMed 19006240.